The following is an entry in ClinVar:

NM_001330723.2(SNX27):c.49A>C (p.Asn17His)

Genes: SNX27 (sorting nexin 27; plus strand), LOC129931442 (ATAC-STARR-seq lymphoblastoid silent region 1324; plus strand). Cytogenetic location: 1q21.3.
Variant type: single nucleotide variant.
Coding change: c.49A>C on transcript NM_001330723.2 (MANE Select); coding-DNA position 49, A replaced by C.
Protein change: p.Asn17His; replaces asparagine 17 with histidine.
Molecular consequence: missense variant.
Genome position (GRCh38, 1-based): chr1:151,612,250, A>C. VCF-style: chr1-151612250-A-C. GRCh37 (hg19) VCF-style: chr1-151584726-A-C.
Other names: c.49A>C, p.Asn17His (NM_030918.6); short protein forms N17H.
Identifiers: ClinVar variation 955764 (VCV000955764.7), dbSNP rs1244369682, ClinGen allele CA341973582.

ClinVar aggregate classification (germline): Uncertain significance (1 of 4 stars; one submission).

Conditions:
Severe myoclonic epilepsy in infancy (DRVT). Also called: SEVERE MYOCLONIC EPILEPSY OF INFANCY; DEVELOPMENTAL AND EPILEPTIC ENCEPHALOPATHY 6A; Dravet syndrome; Epileptic encephalopathy, early infantile, 6 (Dravet syndrome); Severe Myoclonic Epilepsy in Infancy (SMEI). Identifiers: Orphanet 33069, MedGen C0751122, MONDO:0100135, OMIM 607208.

Allele frequency attached by ClinVar (database versions not stated): gnomAD 0.00001; TOPMed 0.00001.
gnomAD v4.1: 3 of 1,440,210 alleles (0.00021%); highest among the groups gnomAD compares: East Asian, 0.003%; no homozygotes.

Submission:

Labcorp Genetics (formerly Invitae), Labcorp
Classification: Uncertain significance for Severe myoclonic epilepsy in infancy. Last evaluated: 2021-08-24. Review status: criteria provided, single submitter. Criteria: Invitae Variant Classification Sherloc (09022015). Collection method: clinical testing. Allele origin: germline.
Comment: This sequence change replaces asparagine with histidine at codon 17 of the SNX27 protein (p.Asn17His). The asparagine residue is moderately conserved and there is a small physicochemical difference between asparagine and histidine. The frequency data for this variant in the population databases is considered unreliable, as metrics indicate insufficient coverage at this position in the ExAC database. This variant has not been reported in the literature in individuals affected with SNX27-related conditions. Algorithms developed to predict the effect of missense changes on protein structure and function are either unavailable or do not agree on the potential impact of this missense change (SIFT: "Deleterious"; PolyPhen-2: "Benign"; Align-GVGD: "Class C0"). In summary, the available evidence is currently insufficient to determine the role of this variant in disease. Therefore, it has been classified as a Variant of Uncertain Significance.